The following is an entry in ClinVar:

ClinVar aggregate classification (germline): Conflicting classifications of pathogenicity. Review status: criteria provided, conflicting classifications (1 of 4 stars). 4 submissions from 4 submitters: Pathogenic (1); Likely pathogenic (2); Uncertain significance (1). Last evaluated 2025-07-07.

Conditions:
Hereditary cancer-predisposing syndrome. Also called: Neoplastic Syndromes, Hereditary; Hereditary Cancer Syndrome; Tumor predisposition; Hereditary neoplastic syndrome. Identifiers: Orphanet 140162, MedGen C0027672, MeSH D009386, MONDO:0015356.
Ataxia-telangiectasia syndrome (AT). Also called: Ataxia-telangiectasia, complementation group D; AT, COMPLEMENTATION GROUP C; Ataxia-telangiectasia; ATAXIA-TELANGIECTASIA, COMPLEMENTATION GROUP A; ATAXIA-TELANGIECTASIA, FRESNO VARIANT; Ataxia-telangiectasia, complementation group E. Identifiers: Orphanet 100, MedGen C0004135, MONDO:0008840, OMIM 208900.

Submissions (4):

Labcorp Genetics (formerly Invitae), Labcorp
Classification: Pathogenic for Ataxia-telangiectasia syndrome. Last evaluated: 2025-07-07. Review status: criteria provided, single submitter. Criteria: Invitae Variant Classification Sherloc (09022015). Collection method: clinical testing. Allele origin: germline.
Comment: This sequence change falls in intron 51 of the ATM gene. It does not directly change the encoded amino acid sequence of the ATM protein. RNA analysis indicates that this variant induces altered splicing and likely results in a shortened protein product. This variant is not present in population databases (gnomAD no frequency). This variant has not been reported in the literature in individuals affected with ATM-related conditions. ClinVar contains an entry for this variant (Variation ID: 142415). Variants that disrupt the consensus splice site are a relatively common cause of aberrant splicing (PMID: 17576681, 9536098). Studies have shown that this variant results in skipping of exon 52, but is expected to preserve the integrity of the reading-frame (internal data). This variant disrupts a region of the ATM protein in which other variant(s) (p.Arg2547_Ser2549del) have been determined to be pathogenic (PMID: 7792600, 8797579, 11382771, 12195425, 12552559, 19431188, 21787400, 22649200). This suggests that this is a clinically significant region of the protein, and that variants that disrupt it are likely to be disease-causing. For these reasons, this variant has been classified as Pathogenic.

Ambry Genetics
Classification: Likely pathogenic for Hereditary cancer-predisposing syndrome. Last evaluated: 2025-06-25. Review status: criteria provided, single submitter. Criteria: Ambry Variant Classification Scheme 2023. Collection method: clinical testing. Allele origin: germline.
Comment: The c.7630-3C>G intronic variant results from a C to G substitution 3 nucleotides before coding exon 51 in the ATM gene. This nucleotide position is well conserved in available vertebrate species. In silico splice site analysis predicts that this alteration will weaken the native splice acceptor site. RNA studies have demonstrated that this alteration results in abnormal splicing in the set of samples tested (Ambry internal data). This variant is considered to be rare based on population cohorts in the Genome Aggregation Database (gnomAD). Based on the majority of available evidence to date, this variant is likely to be pathogenic.

GeneDx
Classification: Likely pathogenic. Last evaluated: 2024-01-17. Review status: criteria provided, single submitter. Criteria: GeneDx Variant Classification Process June 2021. Collection method: clinical testing. Allele origin: germline. Affected: yes.
Comment: Non-canonical splice variant demonstrated to result in aberrant splicing (External communication with Ambry Genetics; PMID: 35716007); In silico analysis supports a deleterious effect on splicing; Not observed at significant frequency in large population cohorts (gnomAD); This variant is associated with the following publications: (PMID: 28779002, 35716007)

Color Diagnostics, LLC DBA Color Health
Classification: Uncertain significance for Hereditary cancer-predisposing syndrome. Last evaluated: 2023-02-03. Review status: criteria provided, single submitter. Criteria: ACMG Guidelines, 2015. Collection method: clinical testing. Allele origin: germline.
Comment: This variant causes a C to G nucleotide substitution at the -3 position of intron 51 of the ATM gene. Splice site prediction tools suggest that this variant may impact RNA splicing. This variant has been reported to impact RNA splicing by an external laboratory, however, detailed data are not available for review (ClinVar SCV000186512.7). To our knowledge, this variant has not been reported in individuals affected with hereditary cancer in the literature. This variant has not been identified in the general population by the Genome Aggregation Database (gnomAD). The available evidence is insufficient to determine the role of this variant in disease conclusively. Therefore, this variant is classified as a Variant of Uncertain Significance.

Literature cited by the submitters: PubMed 17576681 (cited by Labcorp Genetics (formerly Invitae), Labcorp); PubMed 9536098 (cited by Labcorp Genetics (formerly Invitae), Labcorp); PubMed 7792600 (cited by Labcorp Genetics (formerly Invitae), Labcorp); PubMed 8797579 (cited by Labcorp Genetics (formerly Invitae), Labcorp); PubMed 11382771 (cited by Labcorp Genetics (formerly Invitae), Labcorp); PubMed 12195425 (cited by Labcorp Genetics (formerly Invitae), Labcorp); PubMed 12552559 (cited by Labcorp Genetics (formerly Invitae), Labcorp); PubMed 19431188 (cited by Labcorp Genetics (formerly Invitae), Labcorp); PubMed 21787400 (cited by Labcorp Genetics (formerly Invitae), Labcorp); PubMed 22649200 (cited by Labcorp Genetics (formerly Invitae), Labcorp).

NM_000051.4(ATM):c.7630-3C>G

Genes: ATM (ATM serine/threonine kinase; plus strand), C11orf65 (chromosome 11 open reading frame 65; minus strand). Cytogenetic location: 11q22.3.
Variant type: single nucleotide variant.
Coding change: c.7630-3C>G on transcript NM_000051.4 (MANE Select); 3 bases into the intron before coding-DNA position 7630, C replaced by G.
Molecular consequence: intron variant.
Genome position (GRCh38, 1-based): chr11:108,331,876, C>G. VCF-style: chr11-108331876-C-G. GRCh37 (hg19) VCF-style: chr11-108202603-C-G.
Other names: c.7630-3C>G (NM_001351834.2); c.641-22805G>C (NM_001330368.2); c.*38+3344G>C (NM_001351110.2).
Identifiers: ClinVar variation 142415 (VCV000142415.26), dbSNP rs587782448, ClinGen allele CA168292.